The following is an entry in ClinVar:

ClinVar aggregate classification (germline): Uncertain significance. Review status: criteria provided, multiple submitters, no conflicts (2 of 4 stars). 4 submissions from 4 submitters: Uncertain significance (4). Last evaluated 2026-01-29.

Conditions:
Progressive familial heart block type IB (PFHB1B). Identifiers: Orphanet 871, MedGen C1970298, MONDO:0011474, OMIM 604559.
Cardiovascular phenotype. Identifiers: MedGen CN230736.

Submissions (4):

Labcorp Genetics (formerly Invitae), Labcorp
Classification: Uncertain significance for Progressive familial heart block type IB. Last evaluated: 2026-01-29. Review status: criteria provided, single submitter. Criteria: Invitae Variant Classification Sherloc (09022015). Collection method: clinical testing. Allele origin: germline.
Comment: This sequence change creates a premature translational stop signal (p.Ala83Glyfs*13) in the TRPM4 gene. It is expected to result in an absent or disrupted protein product. However, the current clinical and genetic evidence is not sufficient to establish whether loss-of-function variants in TRPM4 cause disease. This variant is present in population databases (rs754625848, gnomAD 0.007%). This premature translational stop signal has been observed in individual(s) with sudden infant death syndrome, atrial fibrillation and dilated cardiomyopathy (PMID: 28074886, 34495297, 35288587). ClinVar contains an entry for this variant (Variation ID: 518703). In summary, the available evidence is currently insufficient to determine the role of this variant in disease. Therefore, it has been classified as a Variant of Uncertain Significance.

Ambry Genetics
Classification: Uncertain significance for Cardiovascular phenotype. Last evaluated: 2025-06-09. Review status: criteria provided, single submitter. Criteria: Ambry Variant Classification Scheme 2023. Collection method: clinical testing. Allele origin: germline.
Comment: The c.247dupG variant, located in coding exon 3 of the TRPM4 gene, results from a duplication of one at nucleotide position 247, causing a translational frameshift with a predicted alternate stop codon (p.A83Gfs*13). This alteration was found by whole exome sequencing in one case of sudden infant death syndrome (Neubauer J et al. Eur. J. Hum. Genet., 2017 Apr;25:404-409). This alteration has also been seen in an atrial fibrillation cohort and a cardiomyopathy cohort (Yoneda ZT et al. JAMA Cardiol, 2021 Dec;6:1371-1379; Lesurf R et al. NPJ Genom Med, 2022 Mar;7:18). This alteration is expected to result in loss of function by premature protein truncation or nonsense-mediated mRNA decay. However, loss of function of TRPM4 has not been clearly established as a mechanism of disease. Since supporting evidence is limited at this time, the clinical significance of this alteration remains unclear.

Blueprint Genetics
Classification: Uncertain significance. Last evaluated: 2024-07-02. Review status: criteria provided, single submitter. Criteria: ACMG Guidelines, 2015. Collection method: clinical testing. Allele origin: germline.

AiLife Diagnostics
Classification: Uncertain significance. Last evaluated: 2021-11-18. Review status: criteria provided, single submitter. Criteria: ACMG Guidelines, 2015. Collection method: clinical testing. Allele origin: germline. Affected: yes. Observed: 2 variant alleles.

Literature cited by the submitters: PubMed 28074886 (cited by 3 submitters); PubMed 34495297 (cited by Labcorp Genetics (formerly Invitae), Labcorp and Ambry Genetics); PubMed 35288587 (cited by Labcorp Genetics (formerly Invitae), Labcorp and Ambry Genetics).

NM_017636.4(TRPM4):c.247dup (p.Ala83fs)

Gene: TRPM4 (transient receptor potential cation channel subfamily M member 4; plus strand). Cytogenetic location: 19q13.33.
Variant type: Duplication.
Coding change: c.247dup on transcript NM_017636.4 (MANE Select); coding-DNA position 247, one base duplicated (G; older notation c.247dupG).
Protein change: p.Ala83fs; shifts the reading frame from alanine 83.
Molecular consequence: frameshift variant. On other transcripts: 5 prime UTR variant (1), intron variant (2).
Genome position (GRCh38, 1-based): chr19:49,166,195, G duplicated; the last of 5 consecutive G bases (chr19:49,166,191-49,166,195); duplicating any one gives the same sequence. VCF-style (leftmost placement, unchanged base first): chr19-49166190-C-CG. GRCh37 (hg19) VCF-style: chr19-49669447-C-CG.
Other names: c.247dup, p.Ala83fs (NM_001195227.2, NM_001321281.2); c.-1126dup (NM_001321282.2); c.-74-2065dup (NM_001321283.2); c.-237-2358dup (NM_001321285.2); c.247dupG (NM_017636.3); short protein forms A83fs.
Identifiers: ClinVar variation 518703 (VCV000518703.15), dbSNP rs754625848, ClinGen allele CA9568729.
Genomic context (GRCh38, chr19:49,166,190, plus strand): 5'-GGGACAGCGATGCACACACCACGGAGAAGCCCACCGATGCCTACGGAGAGCTGGACTTCA[C>CG]GGGGGCCGGCCGCAAGCACAGCAATGTGAGGCGGGCCTCTGTGGGCGGGGCCCGGGCACC-3'